The following is an entry in ClinVar:

ClinVar aggregate classification (germline): Uncertain significance (1 of 4 stars; one submission).

Allele frequency attached by ClinVar (database versions not stated): gnomAD exomes below 0.00001.
gnomAD v4.1: 1 of 1,612,672 alleles (0.000062%); highest among the groups gnomAD compares: Non-Finnish European, 0.000085%; no homozygotes.

Submission:

Labcorp Genetics (formerly Invitae), Labcorp
Classification: Uncertain significance. Last evaluated: 2022-10-13. Review status: criteria provided, single submitter. Criteria: Invitae Variant Classification Sherloc (09022015). Collection method: clinical testing. Allele origin: germline.
Comment: This variant is not present in population databases (gnomAD no frequency). In summary, the available evidence is currently insufficient to determine the role of this variant in disease. Therefore, it has been classified as a Variant of Uncertain Significance. Algorithms developed to predict the effect of missense changes on protein structure and function (SIFT, PolyPhen-2, Align-GVGD) all suggest that this variant is likely to be tolerated. ClinVar contains an entry for this variant (Variation ID: 1382594). This variant has not been reported in the literature in individuals affected with RAI1-related conditions. This sequence change replaces proline, which is neutral and non-polar, with threonine, which is neutral and polar, at codon 501 of the RAI1 protein (p.Pro501Thr).

NM_030665.4(RAI1):c.1501C>A (p.Pro501Thr)

Gene: RAI1 (retinoic acid induced 1; plus strand). Cytogenetic location: 17p11.2.
Variant type: single nucleotide variant.
Coding change: c.1501C>A on transcript NM_030665.4 (MANE Select); coding-DNA position 1501, C replaced by A.
Protein change: p.Pro501Thr; replaces proline 501 with threonine.
Molecular consequence: missense variant.
Genome position (GRCh38, 1-based): chr17:17,794,449, C>A. VCF-style: chr17-17794449-C-A. GRCh37 (hg19) VCF-style: chr17-17697763-C-A.
Other names: short protein forms P501T.
Identifiers: ClinVar variation 1382594 (VCV001382594.6), dbSNP rs1299372537, ClinGen allele CA398548385.
Genomic context (GRCh38, chr17:17,794,449, plus strand): 5'-TGCAGCCCCGAAGGGAGCGGCTACTCAGCCGAGCCCGCAGGCACACCGCTGTCAGAGCCG[C>A]CGAGCAGCACGCCACAGTCCACGCATGCGGAGCCGCAGGAGGCCGACTACCTGAGCGGCT-3'
Protein context (NP_109590.3, residues 491-511): EPAGTPLSEP[Pro501Thr]SSTPQSTHAE